The following is an entry in ClinVar:

NM_018975.4(TERF2IP):c.914A>C (p.Lys305Thr)

Gene: TERF2IP (TERF2 interacting protein; plus strand). Cytogenetic location: 16q23.1.
Variant type: single nucleotide variant.
Coding change: c.914A>C on transcript NM_018975.4 (MANE Select); coding-DNA position 914, A replaced by C.
Protein change: p.Lys305Thr; replaces lysine 305 with threonine.
Molecular consequence: missense variant. On other transcripts: non-coding transcript variant (1).
Genome position (GRCh38, 1-based): chr16:75,656,325, A>C. VCF-style: chr16-75656325-A-C. GRCh37 (hg19) VCF-style: chr16-75690223-A-C.
Other names: short protein forms K305T.
Identifiers: ClinVar variation 3325431 (VCV003325431.1).

ClinVar aggregate classification (germline): Uncertain significance (1 of 4 stars; one submission).

Submission:

Ambry Genetics
Classification: Uncertain significance. Last evaluated: 2024-06-08. Review status: criteria provided, single submitter. Criteria: Ambry Variant Classification Scheme 2023. Collection method: clinical testing. Allele origin: germline.
Comment: The p.K305T variant (also known as c.914A>C), located in coding exon 3 of the TERF2IP gene, results from an A to C substitution at nucleotide position 914. The lysine at codon 305 is replaced by threonine, an amino acid with similar properties. This amino acid position is conserved. In addition, this alteration is predicted to be tolerated by in silico analysis. Based on the available evidence, the clinical significance of this variant remains unclear.